The following is an entry in ClinVar:

NM_002230.4(JUP):c.2073G>T (p.Glu691Asp)

Gene: JUP (junction plakoglobin; minus strand). Cytogenetic location: 17q21.2.
Variant type: single nucleotide variant.
Coding change: c.2073G>T on transcript NM_002230.4 (MANE Select); coding-DNA position 2073, G replaced by T.
Protein change: p.Glu691Asp; replaces glutamic acid 691 with aspartic acid.
Molecular consequence: missense variant.
Genome position (GRCh38, 1-based): chr17:41,756,188, C>A on the plus strand (G>T on the coding strand, the complement: JUP is on the minus strand). VCF-style: chr17-41756188-C-A. GRCh37 (hg19) VCF-style: chr17-39912440-C-A.
Other names: c.2073G>T, p.Glu691Asp (NM_001352773.2, NM_001352774.2, NM_001352775.2 and 3 more transcripts); short protein forms E691D.
Identifiers: ClinVar variation 1441668 (VCV001441668.8), dbSNP rs1162219431, ClinGen allele CA399490900.

ClinVar aggregate classification (germline): Uncertain significance (1 of 4 stars; one submission).

Conditions:
Naxos disease (NXD). Also called: CARDIOMYOPATHY, ARRHYTHMOGENIC RIGHT VENTRICULAR, WITH SKIN, HAIR, AND NAIL ABNORMALITIES; PALMOPLANTAR KERATODERMA WITH ARRHYTHMOGENIC RIGHT VENTRICULAR CARDIOMYOPATHY AND WOOLLY HAIR; WOOLLY HAIR, PALMOPLANTAR KERATODERMA, AND CARDIAC ABNORMALITIES; KERATOSIS PALMOPLANTARIS WITH ARRHYTHMOGENIC CARDIOMYOPATHY; MAL DE NAXOS. Identifiers: Orphanet 34217, MedGen C1832600, MONDO:0011017, OMIM 601214.
Arrhythmogenic right ventricular dysplasia 12. Also called: ARRHYTHMOGENIC RIGHT VENTRICULAR DYSPLASIA, FAMILIAL, 12. Identifiers: MedGen C1969081, MONDO:0012684, OMIM 611528.

Allele frequency attached by ClinVar (database versions not stated): TOPMed below 0.00001.
gnomAD v4.1: 4 of 1,613,944 alleles (0.00025%); highest among the groups gnomAD compares: South Asian, 0.0022%; no homozygotes.

Submission:

Labcorp Genetics (formerly Invitae), Labcorp
Classification: Uncertain significance for Arrhythmogenic right ventricular dysplasia 12; Naxos disease. Last evaluated: 2021-09-19. Review status: criteria provided, single submitter. Criteria: Invitae Variant Classification Sherloc (09022015). Collection method: clinical testing. Allele origin: germline.
Comment: In summary, the available evidence is currently insufficient to determine the role of this variant in disease. Therefore, it has been classified as a Variant of Uncertain Significance. Algorithms developed to predict the effect of missense changes on protein structure and function (SIFT, PolyPhen-2, Align-GVGD) all suggest that this variant is likely to be tolerated, but these predictions have not been confirmed by published functional studies and their clinical significance is uncertain. This variant has not been reported in the literature in individuals with JUP-related conditions. This variant is not present in population databases (ExAC no frequency). This sequence change replaces glutamic acid with aspartic acid at codon 691 of the JUP protein (p.Glu691Asp). The glutamic acid residue is weakly conserved and there is a small physicochemical difference between glutamic acid and aspartic acid.